The following is an entry in ClinVar:

NM_001048174.2(MUTYH):c.803T>G (p.Leu268Arg)

Gene: MUTYH (mutY DNA glycosylase; minus strand). Cytogenetic location: 1p34.1.
Variant type: single nucleotide variant.
Coding change: c.803T>G on transcript NM_001048174.2 (MANE Select); coding-DNA position 803, T replaced by G.
Protein change: p.Leu268Arg; replaces leucine 268 with arginine.
Molecular consequence: missense variant. On other transcripts: non-coding transcript variant (7).
Genome position (GRCh38, 1-based): chr1:45,332,212, A>C on the plus strand (T>G on the coding strand, the complement: MUTYH is on the minus strand). VCF-style: chr1-45332212-A-C. GRCh37 (hg19) VCF-style: chr1-45797884-A-C.
Other names: c.803T>G, p.Leu268Arg (NM_001048171.2, NM_001048173.2, NM_001407081.1 and 6 more transcripts); c.806T>G, p.Leu269Arg (NM_001048172.2, NM_001407078.1, NM_001407086.1 and 1 more transcripts); c.887T>G, p.Leu296Arg (NM_001128425.2); c.848T>G, p.Leu283Arg (NM_001293190.2); c.836T>G, p.Leu279Arg (NM_001293191.2, NM_001407077.1, NM_001407069.1); c.527T>G, p.Leu176Arg (NM_001293192.2, NM_001293196.2, NM_001407091.1); c.719T>G, p.Leu240Arg (NM_001407075.1); c.764T>G, p.Leu255Arg (NM_001407079.1); and 5 more; short protein forms L268R, L269R, L283R, L293R, L153R, L240R, L255R, L296R.
Identifiers: ClinVar variation 4113882 (VCV004113882.1).

ClinVar aggregate classification (germline): Uncertain significance (1 of 4 stars; one submission).

Conditions:
Hereditary cancer-predisposing syndrome. Also called: Hereditary neoplastic syndrome; Neoplastic Syndromes, Hereditary; Tumor predisposition; Hereditary Cancer Syndrome. Identifiers: Orphanet 140162, MedGen C0027672, MeSH D009386, MONDO:0015356.

Submission:

Ambry Genetics
Classification: Uncertain significance for Hereditary cancer-predisposing syndrome. Last evaluated: 2025-08-27. Review status: criteria provided, single submitter. Criteria: Ambry Variant Classification Scheme 2023. Collection method: clinical testing. Allele origin: germline.
Comment: The p.L296R variant (also known as c.887T>G), located in coding exon 10 of the MUTYH gene, results from a T to G substitution at nucleotide position 887. The leucine at codon 296 is replaced by arginine, an amino acid with dissimilar properties. This amino acid position is conserved. In addition, the in silico prediction for this alteration is inconclusive. Based on the available evidence, the clinical significance of this variant remains unclear.